The following is an entry in ClinVar:

NM_001080.3(ALDH5A1):c.299C>T (p.Ala100Val)

Genes: ALDH5A1 (aldehyde dehydrogenase 5 family member A1; plus strand), LOC129995978 (ATAC-STARR-seq lymphoblastoid silent region 16989; plus strand). Cytogenetic location: 6p22.3.
Variant type: single nucleotide variant.
Coding change: c.299C>T on transcript NM_001080.3 (MANE Select); coding-DNA position 299, C replaced by T.
Protein change: p.Ala100Val; replaces alanine 100 with valine.
Molecular consequence: missense variant.
Genome position (GRCh38, 1-based): chr6:24,495,295, C>T. VCF-style: chr6-24495295-C-T. GRCh37 (hg19) VCF-style: chr6-24495523-C-T.
Other names: c.299C>T, p.Ala100Val (NM_001368954.1, NM_170740.1); short protein forms A100V.
Identifiers: ClinVar variation 1697114 (VCV001697114.2), dbSNP rs920052733, ClinGen allele CA362968632.

ClinVar aggregate classification (germline): Uncertain significance (1 of 4 stars; one submission).

Submission:

GeneDx
Classification: Uncertain significance. Last evaluated: 2022-01-17. Review status: criteria provided, single submitter. Criteria: GeneDx Variant Classification Process June 2021. Collection method: clinical testing. Allele origin: germline. Affected: yes.
Comment: Not observed at significant frequency in large population cohorts (gnomAD); In silico analysis supports that this missense variant does not alter protein structure/function; Has not been previously published as pathogenic or benign to our knowledge